The following is an entry in ClinVar:

NM_001367624.2(ZNF469):c.4092G>T (p.Leu1364Phe)

Gene: ZNF469 (zinc finger protein 469; plus strand). Cytogenetic location: 16q24.2.
Variant type: single nucleotide variant.
Coding change: c.4092G>T on transcript NM_001367624.2 (MANE Select); coding-DNA position 4092, G replaced by T.
Protein change: p.Leu1364Phe; replaces leucine 1364 with phenylalanine.
Molecular consequence: missense variant.
Genome position (GRCh38, 1-based): chr16:88,431,562, G>T. VCF-style: chr16-88431562-G-T. GRCh37 (hg19) VCF-style: chr16-88497970-G-T.
Other names: NM_001127464.1:c.4008G>T; short protein forms L1364F.
Identifiers: ClinVar variation 3195987 (VCV003195987.2), dbSNP rs756277188, ClinGen allele CA8224914.
Genomic context (GRCh38, chr16:88,431,562, plus strand): 5'-TCTGTCTTCAAAGATCTCCAGTTTTGGCTGTGACCCTGCTGGTTTTAACAGAGACCCCTT[G>T]GGGGTTCCAGTTGCCAAAAAGGGGCCTCAGCCCTACAGCAGCCCCCACAGTGAGTTGTTC-3'
Protein context (NP_001354553.1, residues 1354-1374): CDPAGFNRDP[Leu1364Phe]GVPVAKKGPQ

ClinVar aggregate classification (germline): Uncertain significance (1 of 4 stars; one submission).

Conditions:
Cardiovascular phenotype. Identifiers: MedGen CN230736.

Allele frequency attached by ClinVar (database versions not stated): gnomAD 0.00002; TOPMed 0.00002; ExAC 0.00005.
gnomAD v4.1: 3 of 1,550,328 alleles (0.00019%); highest among the groups gnomAD compares: African/African-American, 0.0041%; no homozygotes.

Submission:

Ambry Genetics
Classification: Uncertain significance for Cardiovascular phenotype. Last evaluated: 2024-06-09. Review status: criteria provided, single submitter. Criteria: Ambry Variant Classification Scheme 2023. Collection method: clinical testing. Allele origin: germline.
Comment: The p.L1336F variant (also known as c.4008G>T), located in coding exon 2 of the ZNF469 gene, results from a G to T substitution at nucleotide position 4008. The leucine at codon 1336 is replaced by phenylalanine, an amino acid with highly similar properties. This amino acid position is conserved. In addition, this alteration is predicted to be tolerated by in silico analysis. Based on the available evidence, the clinical significance of this variant remains unclear.